The following is an entry in ClinVar:

NM_020778.5(ALPK3):c.922C>T (p.Leu308Phe)

Gene: ALPK3 (alpha kinase 3; plus strand). Cytogenetic location: 15q25.3.
Variant type: single nucleotide variant.
Coding change: c.922C>T on transcript NM_020778.5 (MANE Select); coding-DNA position 922, C replaced by T.
Protein change: p.Leu308Phe; replaces leucine 308 with phenylalanine.
Molecular consequence: missense variant.
Genome position (GRCh38, 1-based): chr15:84,840,201, C>T. VCF-style: chr15-84840201-C-T. GRCh37 (hg19) VCF-style: chr15-85383432-C-T.
Other names: short protein forms L308F.
Identifiers: ClinVar variation 3533403 (VCV003533403.1).

ClinVar aggregate classification (germline): Uncertain significance (1 of 4 stars; one submission).

Conditions:
Cardiovascular phenotype. Identifiers: MedGen CN230736.

Submission:

Ambry Genetics
Classification: Uncertain significance for Cardiovascular phenotype. Last evaluated: 2024-10-27. Review status: criteria provided, single submitter. Criteria: Ambry Variant Classification Scheme 2023. Collection method: clinical testing. Allele origin: germline.
Comment: The p.L510F variant (also known as c.1528C>T), located in coding exon 5 of the ALPK3 gene, results from a C to T substitution at nucleotide position 1528. The leucine at codon 510 is replaced by phenylalanine, an amino acid with highly similar properties. This amino acid position is conserved. In addition, this alteration is predicted to be tolerated by in silico analysis. Based on the available evidence, the clinical significance of this variant remains unclear.